The following is an entry in ClinVar:

ClinVar aggregate classification (germline): Uncertain significance. Review status: criteria provided, multiple submitters, no conflicts (2 of 4 stars). 3 submissions from 3 submitters: Uncertain significance (3). Last evaluated 2025-10-02.

Conditions:
Hereditary cancer-predisposing syndrome. Also called: Tumor predisposition; Hereditary neoplastic syndrome; Neoplastic Syndromes, Hereditary; Hereditary Cancer Syndrome. Identifiers: Orphanet 140162, MedGen C0027672, MeSH D009386, MONDO:0015356.
Ataxia-telangiectasia syndrome (AT). Also called: Ataxia-telangiectasia, complementation group D; Cerebello-oculocutaneous telangiectasia; Immunodeficiency with ataxia telangiectasia; LOUIS-BAR SYNDROME; Ataxia-telangiectasia; AT, COMPLEMENTATION GROUP C. Identifiers: Orphanet 100, MedGen C0004135, MONDO:0008840, OMIM 208900.

Allele frequency attached by ClinVar (database versions not stated): gnomAD exomes below 0.00001.
gnomAD v4.1: 1 of 1,613,884 alleles (0.000062%); highest among the groups gnomAD compares: Middle Eastern, 0.017%; no homozygotes.

Submissions (3):

Ambry Genetics
Classification: Uncertain significance for Hereditary cancer-predisposing syndrome. Last evaluated: 2025-10-02. Review status: criteria provided, single submitter. Criteria: Ambry Variant Classification Scheme 2023. Collection method: clinical testing. Allele origin: germline.
Comment: The p.A1512V variant (also known as c.4535C>T), located in coding exon 29 of the ATM gene, results from a C to T substitution at nucleotide position 4535. The alanine at codon 1512 is replaced by valine, an amino acid with similar properties. In an assay testing ATM function, this variant showed a functionally normal result (Lee KS et al. Cell, 2025 Sep;188:5081-5099.e27). This amino acid position is highly conserved in available vertebrate species. In addition, the in silico prediction for this alteration is inconclusive. Based on the available evidence, the clinical significance of this variant remains unclear.

Labcorp Genetics (formerly Invitae), Labcorp
Classification: Uncertain significance for Ataxia-telangiectasia syndrome. Last evaluated: 2024-04-29. Review status: criteria provided, single submitter. Criteria: Invitae Variant Classification Sherloc (09022015). Collection method: clinical testing. Allele origin: germline.
Comment: This sequence change replaces alanine, which is neutral and non-polar, with valine, which is neutral and non-polar, at codon 1512 of the ATM protein (p.Ala1512Val). This variant is not present in population databases (gnomAD no frequency). This variant has not been reported in the literature in individuals affected with ATM-related conditions. ClinVar contains an entry for this variant (Variation ID: 927194). An algorithm developed to predict the effect of missense changes on protein structure and function (PolyPhen-2) suggests that this variant is likely to be tolerated. In summary, the available evidence is currently insufficient to determine the role of this variant in disease. Therefore, it has been classified as a Variant of Uncertain Significance.

Color Diagnostics, LLC DBA Color Health
Classification: Uncertain significance for Hereditary cancer-predisposing syndrome. Last evaluated: 2023-12-05. Review status: criteria provided, single submitter. Criteria: ACMG Guidelines, 2015. Collection method: clinical testing. Allele origin: germline.
Comment: This missense variant replaces alanine with valine at codon 1512 of the ATM protein. Computational prediction suggests that this variant may not impact protein structure and function (internally defined REVEL score threshold <= 0.5, PMID: 27666373). To our knowledge, functional studies have not been reported for this variant. This variant has not been reported in individuals affected with ATM-related disorders in the literature. This variant has not been identified in the general population by the Genome Aggregation Database (gnomAD). The available evidence is insufficient to determine the role of this variant in disease conclusively. Therefore, this variant is classified as a Variant of Uncertain Significance.

Literature cited by the submitters: PubMed 40580951 (cited by Ambry Genetics).

NM_000051.4(ATM):c.4535C>T (p.Ala1512Val)

Gene: ATM (ATM serine/threonine kinase; plus strand). Cytogenetic location: 11q22.3.
Variant type: single nucleotide variant.
Coding change: c.4535C>T on transcript NM_000051.4 (MANE Select); coding-DNA position 4535, C replaced by T.
Protein change: p.Ala1512Val; replaces alanine 1512 with valine.
Molecular consequence: missense variant.
Genome position (GRCh38, 1-based): chr11:108,292,717, C>T. VCF-style: chr11-108292717-C-T. GRCh37 (hg19) VCF-style: chr11-108163444-C-T.
Other names: c.4535C>T, p.Ala1512Val (NM_001351834.2); short protein forms A1512V.
Identifiers: ClinVar variation 927194 (VCV000927194.13), dbSNP rs1591674385, ClinGen allele CA382533729.